The following is an entry in ClinVar:

NM_001320.7(CSNK2B):c.138_139delinsCT (p.Arg47Ter)

Gene: CSNK2B (casein kinase 2 beta; plus strand). Cytogenetic location: 6p21.33.
Variant type: Indel.
Coding change: c.138_139delinsCT on transcript NM_001320.7 (MANE Select); coding-DNA positions 138 to 139, TC replaced by CT.
Protein change: p.Arg47Ter; replaces arginine 47 with a stop codon.
Molecular consequence: nonsense.
Genome position (GRCh38, 1-based): chr6:31,667,933-31,667,934, TC replaced by CT. VCF-style: chr6-31667933-TC-CT. GRCh37 (hg19) VCF-style: chr6-31635710-TC-CT.
Other names: c.138_139delinsCT, p.Arg47Ter (NM_001282385.2); short protein forms R47*.
Identifiers: ClinVar variation 4886791 (VCV004886791.1).

ClinVar aggregate classification (germline): Likely pathogenic (0 of 4 stars; one submission).

Submission:

Diagnostics Centre, Carl Von Ossietzky University Oldenburg
Classification: Likely pathogenic. Last evaluated: 2025-08-11. Review status: no assertion criteria provided. Collection method: clinical testing. Allele origin: germline. Affected: yes. Observed: 1 variant allele.
Comment: The variont NM_001320.7(CSNK2B):c.138_139delinsCT p.(Arg47Ter) located in the exon 3 of the CSNK2B at nucleotide position c.138_139. This change results in the formation of a premature stop codon at protein position 47. The variant affects an exon [3/7] present in a biologically relevant transcript and is predicted to cause protein truncation/absent due to nonsense mediated decay, in a gene where loss-of-function is a known mechanism of disease. The variant has also been described in the literature under the cDNA code c.139C>T, a nucleotide substitution that leads to the same protein-level change (PMID: 34041744). The variant presented here has been classified as Pathogenic 8 times in ClinVar (ClinVar ID: 426599). This variant is considered very rare in the general population (no carriers reported in gnomAD). In summary, this variant is classified as Likely pathogenic.

Literature cited by the submitters: PubMed 34041744.